The following is an entry in ClinVar:

NM_022124.6(CDH23):c.2550C>T (p.Ala850=)

Gene: CDH23 (cadherin related 23; plus strand). Cytogenetic location: 10q22.1.
Variant type: single nucleotide variant.
Coding change: c.2550C>T on transcript NM_022124.6 (MANE Select); coding-DNA position 2550, C replaced by T.
Protein change: p.Ala850=; no amino-acid change (alanine 850 retained).
Molecular consequence: synonymous variant.
Genome position (GRCh38, 1-based): chr10:71,702,174, C>T. VCF-style: chr10-71702174-C-T. GRCh37 (hg19) VCF-style: chr10-73461931-C-T.
Other names: c.2550C>T, p.Ala850= (NM_001171930.2, NM_001171931.2); c.2550C>T (NM_022124.5).
Identifiers: ClinVar variation 1077705 (VCV001077705.11), dbSNP rs557676656, ClinGen allele CA5544245.

ClinVar aggregate classification (germline): Likely benign. Review status: criteria provided, multiple submitters, no conflicts (2 of 4 stars). 3 submissions from 3 submitters: Likely benign (3). Last evaluated 2026-01-09.

Conditions:
CDH23-related disorder. Also called: CDH23-related disorders; CDH23-related condition.

Allele frequency attached by ClinVar (database versions not stated): TOPMed 0.00001; gnomAD 0.00002 and 0.00003; gnomAD exomes 0.00003 and 0.00005; ExAC 0.00007; 1000 Genomes Project 30x 0.00031; 1000 Genomes Project 0.00040.
gnomAD v4.1: 49 of 1,613,856 alleles (0.003%); highest among the groups gnomAD compares: South Asian, 0.019%; no homozygotes.

Submissions (3):

PreventionGenetics, part of Exact Sciences
Classification: Likely benign for CDH23-related condition. Last evaluated: 2026-01-09. Review status: criteria provided, single submitter. Criteria: ACMG Guidelines, 2015. Collection method: clinical testing. Allele origin: germline.
Comment: This variant is classified as likely benign based on ACMG/AMP sequence variant interpretation guidelines (Richards et al. 2015 PMID: 25741868, with internal and published modifications).

Labcorp Genetics (formerly Invitae), Labcorp
Classification: Likely benign. Last evaluated: 2024-04-15. Review status: criteria provided, single submitter. Criteria: Invitae Variant Classification Sherloc (09022015). Collection method: clinical testing. Allele origin: germline.

Blueprint Genetics
Classification: Likely benign. Last evaluated: 2024-03-20. Review status: criteria provided, single submitter. Criteria: ACMG Guidelines, 2015. Collection method: clinical testing. Allele origin: germline.